The following is an entry in ClinVar:

NM_000059.4(BRCA2):c.8331+2T>C

Gene: BRCA2 (BRCA2 DNA repair associated; plus strand). Cytogenetic location: 13q13.1.
Variant type: single nucleotide variant.
Coding change: c.8331+2T>C on transcript NM_000059.4 (MANE Select); the canonical splice donor site of the intron after coding-DNA position 8331, T replaced by C.
Molecular consequence: splice donor variant.
Genome position (GRCh38, 1-based): chr13:32,363,535, T>C. VCF-style: chr13-32363535-T-C. GRCh37 (hg19) VCF-style: chr13-32937672-T-C.
Other names: c.8331+2T>C (NM_001406720.1); c.8235+2T>C (NM_001406719.1); c.3399+2T>C (NM_001406721.1); c.1914+2T>C (NM_001406722.1).
Identifiers: ClinVar variation 267692 (VCV000267692.73), dbSNP rs398122602, ClinGen allele CA10602546.

ClinVar aggregate classification (germline): Pathogenic/Likely pathogenic. Review status: criteria provided, multiple submitters, no conflicts (2 of 4 stars). 17 submissions from 17 submitters: Pathogenic (11); Likely pathogenic (4). 2 of the submissions do not count toward it. Last evaluated 2026-09-29.

Conditions:
Hereditary breast ovarian cancer syndrome. Also called: Hereditary breast and/or ovarian cancer syndrome; Hereditary breast and ovarian cancer; Hereditary breast and ovarian cancer syndrome (HBOC); Breast and ovarian cancer; BRCA1- and BRCA2-Associated Hereditary Breast and Ovarian Cancer; Hereditary breast and ovarian cancer syndrome. Identifiers: Orphanet 145, MedGen C0677776, MeSH D061325, MONDO:0003582. Disease mechanism: loss of function.
Familial cancer of breast. Also called: Hereditary breast cancer; BREAST CANCER, FAMILIAL; hereditary breast carcinoma. Identifiers: Orphanet 227535, MedGen C0346153, MONDO:0016419, OMIM 114480. Disease mechanism: loss of function.
Breast-ovarian cancer, familial, susceptibility to, 2 (BROVCA2). Also called: BRCA2 Hereditary Breast and Ovarian Cancer. Identifiers: Orphanet 145, MedGen C2675520, MONDO:0012933, OMIM 612555. Disease mechanism: loss of function.
Hereditary cancer-predisposing syndrome. Also called: Hereditary neoplastic syndrome; Tumor predisposition; Neoplastic Syndromes, Hereditary; Hereditary Cancer Syndrome. Identifiers: Orphanet 140162, MedGen C0027672, MeSH D009386, MONDO:0015356.

Allele frequency attached by ClinVar (database versions not stated): TOPMed 0.00001.
gnomAD v4.1: 3 of 1,610,002 alleles (0.00019%); highest among the groups gnomAD compares: Non-Finnish European, 0.00017%; no homozygotes.

Submissions 1 to 9 of 17:

GeneDx
Classification: Likely pathogenic. Last evaluated: 2026-09-29. Review status: criteria provided, single submitter. Criteria: GeneDx Variant Classification Process June 2021. Collection method: clinical testing. Allele origin: germline.
Comment: Canonical splice site variant demonstrated to result in aberrant splicing, including skipping of exon 18, as well normal splicing in different assays (PMID: 28339459, 30832263, 31143303, 32123317, 33469799); Identified in individuals with a personal and/or family history of breast and/or ovarian cancer referred for genetic testing at GeneDx and in published literature (PMID: 25186627, 24504028, 29487695, 30130155, 32098980, 32854451, 35464868, 33403015, 37563628); Not observed at significant frequency in large population cohorts (gnomAD); Also known as 8559+2T>C; This variant is associated with the following publications: (PMID: 29487695, 32123317, 25186627, 28339459, 30832263, 31143303, 24504028, 29339979, 29446198, 30702160, 31131967, 32854451, 32098980, 31209999, 32380732, 33469799, 24728189, 30130155, 32853339, 41928472, 35411189, 37563628, 33403015, 35464868, 42180364, 33087929)

Ambry Genetics
Classification: Likely pathogenic for Hereditary cancer-predisposing syndrome. Last evaluated: 2025-05-01. Review status: criteria provided, single submitter. Criteria: Ambry Variant Classification Scheme 2023. Collection method: clinical testing. Allele origin: germline.
Comment: The c.8331+2T>C intronic variant results from a T to C substitution two nucleotides after coding exon 17 in the BRCA2 gene. This alteration has been reported in multiple hereditary breast and/or ovarian cohorts (Cunningham JM et al. Sci Rep, 2014 Feb;4:4026; Song H et al. Hum. Mol. Genet. 2014 Sep;23(17):4703-9; Kwong A et al. Oncotarget 2018 Jan;9(8):7832-7843; Heramb C et al. Hered Cancer Clin Pract 2018 Jan;16:3). This nucleotide position is highly conserved in available vertebrate species. Several variants at this splice donor site demonstrated substantial but incomplete abnormal splicing in multiple different RNA analyses (Ambry internal data; Fraile-Bethencourt E et al. PLoS Genet, 2017 Mar;13:e1006691; Gelli E et al. Cancers (Basel), 2019 Mar;11; Wangensteen T et al. Hered Cancer Clin Pract, 2019 May;17:14; Nix P et al. Fam Cancer, 2022 Jan;21:7-19). However, at least one recent RNA study has reported no aberrant splicing in association with this variant (Wai HA. Genet Med. 2020 Jun;22(6):1005-1014). In addition, this alteration was observed in individuals who collectively do not present with a clinical history seen in typical high-risk hereditary breast and ovarian cancer (HBOC) variant carriers (Nix P et al. Fam Cancer, 2022 Jan;21:7-19). However, these data cannot rule out the possibility of a hypomorphic variant with atypical risks. Based on the majority of available evidence to date, this variant is likely to be pathogenic. However, carriers of this variant and their families may present with reduced risks, and not with the typical clinical characteristics of a high-risk pathogenic BRCA2 alteration. As risk estimates are unknown at this time, clinical correlation is advised.

Labcorp Genetics (formerly Invitae), Labcorp
Classification: Pathogenic for Hereditary breast ovarian cancer syndrome. Last evaluated: 2025-04-18. Review status: criteria provided, single submitter. Criteria: Invitae Variant Classification Sherloc (09022015). Collection method: clinical testing. Allele origin: germline.
Comment: This sequence change affects a donor splice site in intron 18 of the BRCA2 gene. It is expected to disrupt RNA splicing. Variants that disrupt the donor or acceptor splice site typically lead to a loss of protein function (PMID: 16199547), and loss-of-function variants in BRCA2 are known to be pathogenic (PMID: 20104584). This variant is not present in population databases (gnomAD no frequency). Disruption of this splice site has been observed in individual(s) with clinical features of hereditary breast and ovarian cancer syndrome (PMID: 24504028, 25186627, 29339979, 29446198, 29487695). ClinVar contains an entry for this variant (Variation ID: 267692). Studies have shown that disruption of this splice site alters mRNA splicing and is expected to lead to the loss of protein expression (PMID: 20104584). For these reasons, this variant has been classified as Pathogenic.

Center for Genomic Medicine, Rigshospitalet, Copenhagen University Hospital
Classification: Likely pathogenic. Last evaluated: 2025-03-04. Review status: criteria provided, single submitter. Criteria: ACMG Guidelines, 2015. Collection method: clinical testing. Allele origin: germline.

Color Diagnostics, LLC DBA Color Health
Classification: Pathogenic for Hereditary cancer-predisposing syndrome. Last evaluated: 2023-12-05. Review status: criteria provided, single submitter. Criteria: ACMG Guidelines, 2015. Collection method: clinical testing. Allele origin: germline.
Comment: This variant causes a T>C nucleotide substitution at the +2 position of intron 18 splice donor site of the BRCA2 gene. RNA studies have shown that this variant results in the production of several aberrant transcripts that lack (i) exon 18, (ii) exon 17 and 18, or (iii) partial exon 17 and exon 18 (PMID: 28339459, 30832263, 33469799). These transcripts are not expected to produce a functional protein, however, it was noted that the slicing defect may be incomplete (PMID: 30832263, 33469799; ClinVar SCV001178672.2). This variant has been reported in over ten individuals affected with breast and/or ovarian cancer (PMID: 18779604, 24728189, 25186627, 28339459, 30832263, 31131967, 33469799, 35464868; communication with an external laboratory). This variant has not been identified in the general population by the Genome Aggregation Database (gnomAD). Loss of BRCA2 function is a known mechanism of disease. Based on the available evidence, this variant is classified as Pathogenic. Incomplete splicing defect attributed to this variant suggests that this variant may be associated with reduced penetrance.

All of Us Research Program, National Institutes of Health
Classification: Pathogenic for Breast-ovarian cancer, familial, susceptibility to, 2. Last evaluated: 2023-10-05. Review status: criteria provided, single submitter. Criteria: ACMG Guidelines, 2015. Collection method: clinical testing. Allele origin: germline. Inheritance: Autosomal dominant inheritance. Observed: 1 variant allele, 1 heterozygote.
Comment: This variant disrupts a canonical splice site and is predicted to result in abnormal splicing. This prediction has been confirmed by functional studies (PMID: 28339459, 31143303). Aberrant splicing and/or loss of function is an established mechanism of disease. This variant has been reported in multiple individuals with hereditary breast and ovarian cancer syndrome (PMID: 24504028, 29339979, 24728189, 29487695). This variant is absent from large population databases, including the Genome Aggregation Database.

This study involves interpretation of variants in research participants for the purpose of population health screening. Participant phenotype was not available at the time of variant classification. Additional details can be found in publication PMID: 35346344, PMCID: PMC8962531

Clinical Genetics Laboratory, Skane University Hospital Lund
Classification: Pathogenic. Last evaluated: 2023-05-08. Review status: criteria provided, single submitter. Criteria: ACMG Guidelines, 2015. Collection method: clinical testing. Allele origin: germline. Affected: yes.

Quest Diagnostics Nichols Institute San Juan Capistrano
Classification: Pathogenic. Last evaluated: 2023-01-20. Review status: criteria provided, single submitter. Criteria: Quest Diagnostics criteria. Collection method: clinical testing. Allele origin: unknown.
Comment: This variant disrupts a canonical splice-donor site and interferes with normal BRCA2 mRNA splicing. This variant has not been reported in large, multi-ethnic general populations. In the published literature, the variant has been reported in an individual with ovarian cancer (PMID: 24504028 (2014)), and in individuals with breast cancer (PMID: 25186627 (2015), 29487695 (2018), 30130155 (2018), 30702160 (2019), 32854451 (2020), 35464868 (2022)). In large breast cancer association studies, this variant was found in individuals affected with breast cancer as well as unaffected individuals (PMID: 33471991 (2021)). Functional splicing assays demonstrate this this variant causes aberrant splicing and skipping of exon 18 and/or partial exon 17 and exon 18, creating a premature stop codon (PMID: 28339459 (2017), 30832263 (2019), 31143303 (2019), 33469799 (2021)). However, production of the normal transcript was also demonstrated (PMID: 30832263 (2019), 32123317 (2020), 33469799 (2021)). Based on the available information, this variant is classified as pathogenic.

Revvity Omics, Revvity
Classification: Pathogenic. Last evaluated: 2023-01-10. Review status: criteria provided, single submitter. Criteria: ACMG Guidelines, 2015. Collection method: clinical testing. Allele origin: germline.